The following is an entry in ClinVar:

ClinVar aggregate classification (germline): Likely benign (1 of 4 stars; one submission).

Allele frequency attached by ClinVar (database versions not stated): 1000 Genomes Project 0.01358; 1000 Genomes Project 30x 0.01437; gnomAD 0.01715 and 0.01768; TOPMed 0.01881.

Submission:

GeneDx
Classification: Likely benign. Last evaluated: 2018-06-18. Review status: criteria provided, single submitter. Criteria: GeneDx Variant Classification (06012015). Collection method: clinical testing. Allele origin: germline. Affected: yes.
Comment: This variant is considered likely benign or benign based on one or more of the following criteria: it is a conservative change, it occurs at a poorly conserved position in the protein, it is predicted to be benign by multiple in silico algorithms, and/or has population frequency not consistent with disease.

NM_001376.5(DYNC1H1):c.344+201C>T

Gene: DYNC1H1 (dynein cytoplasmic 1 heavy chain 1; plus strand). Cytogenetic location: 14q32.31.
Variant type: single nucleotide variant.
Coding change: c.344+201C>T on transcript NM_001376.5 (MANE Select); 201 bases into the intron after coding-DNA position 344, C replaced by T.
Molecular consequence: intron variant.
Genome position (GRCh38, 1-based): chr14:101,976,000, C>T. VCF-style: chr14-101976000-C-T. GRCh37 (hg19) VCF-style: chr14-102442337-C-T.
Identifiers: ClinVar variation 675706 (VCV000675706.1), dbSNP rs17511914, ClinGen allele CA266970542.